The following is an entry in ClinVar:

ClinVar aggregate classification (germline): Uncertain significance (1 of 4 stars; one submission).

Conditions:
Hyperphosphatasia with impaired intellectual development syndrome 2. Also called: Hyperphosphatasia with intellectual disability syndrome 2; GLYCOSYLPHOSPHATIDYLINOSITOL BIOSYNTHESIS DEFECT 6. Identifiers: Orphanet 247262, MedGen C3553637, MONDO:0013882, OMIM 614749.

Allele frequency attached by ClinVar (database versions not stated): TOPMed 0.00003; gnomAD 0.00004 and 0.00003.

Submission:

Labcorp Genetics (formerly Invitae), Labcorp
Classification: Uncertain significance for Hyperphosphatasia with impaired intellectual development syndrome 2. Last evaluated: 2021-09-01. Review status: criteria provided, single submitter. Criteria: Invitae Variant Classification Sherloc (09022015). Collection method: clinical testing. Allele origin: germline.
Comment: This sequence change replaces alanine with valine at codon 496 of the PIGO protein (p.Ala496Val). The alanine residue is weakly conserved and there is a small physicochemical difference between alanine and valine. This variant is present in population databases (rs763688561, ExAC 0.01%). This variant has not been reported in the literature in individuals affected with PIGO-related conditions. Algorithms developed to predict the effect of missense changes on protein structure and function output the following: SIFT: "Tolerated"; PolyPhen-2: "Benign"; Align-GVGD: "Class C0". The valine amino acid residue is found in multiple mammalian species, which suggests that this missense change does not adversely affect protein function. In summary, the available evidence is currently insufficient to determine the role of this variant in disease. Therefore, it has been classified as a Variant of Uncertain Significance.

NM_032634.4(PIGO):c.1487C>T (p.Ala496Val)

Gene: PIGO (phosphatidylinositol glycan anchor biosynthesis class O; minus strand). Cytogenetic location: 9p13.3.
Variant type: single nucleotide variant.
Coding change: c.1487C>T on transcript NM_032634.4 (MANE Select); coding-DNA position 1487, C replaced by T.
Protein change: p.Ala496Val; replaces alanine 496 with valine.
Molecular consequence: missense variant. On other transcripts: intron variant (2).
Genome position (GRCh38, 1-based): chr9:35,092,400, G>A on the plus strand (C>T on the coding strand, the complement: PIGO is on the minus strand). VCF-style: chr9-35092400-G-A. GRCh37 (hg19) VCF-style: chr9-35092397-G-A.
Other names: c.1344+143C>T (NM_152850.4, NM_001201484.2); short protein forms A496V.
Identifiers: ClinVar variation 967477 (VCV000967477.7), dbSNP rs763688561, ClinGen allele CA5040624.